The following is an entry in ClinVar:

NM_020987.5(ANK3):c.2385T>C (p.Asn795=)

Gene: ANK3 (ankyrin 3; minus strand). Cytogenetic location: 10q21.2.
Variant type: single nucleotide variant.
Coding change: c.2385T>C on transcript NM_020987.5 (MANE Select); coding-DNA position 2385, T replaced by C.
Protein change: p.Asn795=; no amino-acid change (asparagine 795 retained).
Molecular consequence: synonymous variant.
Genome position (GRCh38, 1-based): chr10:60,172,401, A>G on the plus strand (T>C on the coding strand, the complement: ANK3 is on the minus strand). VCF-style: chr10-60172401-A-G. GRCh37 (hg19) VCF-style: chr10-61932159-A-G.
Other names: c.2367T>C, p.Asn789= (NM_001204403.2); c.2334T>C, p.Asn778= (NM_001204404.2); c.2385T>C, p.Asn795= (NM_001320874.2).
Identifiers: ClinVar variation 210150 (VCV000210150.33), dbSNP rs372094828, ClinGen allele CA209403.

ClinVar aggregate classification (germline): Conflicting classifications of pathogenicity. Review status: criteria provided, conflicting classifications (1 of 4 stars). 3 submissions from 3 submitters: Uncertain significance (1); Likely benign (2). Last evaluated 2025-05-17.

Allele frequency attached by ClinVar (database versions not stated): ESP Exome Variant Server 0.00008; gnomAD 0.00013 and 0.00014; TOPMed 0.00017; gnomAD exomes 0.00023 and 0.00027; ExAC 0.00030.
gnomAD v4.1: 343 of 1,613,604 alleles (0.021%); highest among the groups gnomAD compares: Non-Finnish European, 0.024%; no homozygotes.

Submissions (3):

Labcorp Genetics (formerly Invitae), Labcorp
Classification: Likely benign. Last evaluated: 2025-05-17. Review status: criteria provided, single submitter. Criteria: Invitae Variant Classification Sherloc (09022015). Collection method: clinical testing. Allele origin: germline.

CeGaT Center for Human Genetics Tuebingen
Classification: Likely benign. Last evaluated: 2023-04-01. Review status: criteria provided, single submitter. Criteria: CeGaT Center For Human Genetics Tuebingen Variant Classification Criteria Version 2. Collection method: clinical testing. Allele origin: germline. Affected: yes. Observed: 2 variant alleles.
Comment: ANK3: BP4, BP7

Genetic Services Laboratory, University of Chicago
Classification: Uncertain significance. Last evaluated: 2015-08-05. Review status: criteria provided, single submitter. Criteria: ACMG Guidelines, 2015. Collection method: clinical testing. Allele origin: germline.